The following is an entry in ClinVar:

NM_000096.4(CP):c.2257A>T (p.Lys753Ter)

Gene: CP (ceruloplasmin; minus strand). Cytogenetic location: 3q24.
Variant type: single nucleotide variant.
Coding change: c.2257A>T on transcript NM_000096.4 (MANE Select); coding-DNA position 2257, A replaced by T.
Protein change: p.Lys753Ter; replaces lysine 753 with a stop codon.
Molecular consequence: nonsense. On other transcripts: non-coding transcript variant (1).
Genome position (GRCh38, 1-based): chr3:149,185,267, T>A on the plus strand (A>T on the coding strand, the complement: CP is on the minus strand). VCF-style: chr3-149185267-T-A. GRCh37 (hg19) VCF-style: chr3-148903054-T-A.
Other names: short protein forms K753*.
Identifiers: ClinVar variation 3346407 (VCV003346407.1).

ClinVar aggregate classification (germline): Likely pathogenic (0 of 4 stars; one submission).

Conditions:
CP-related disorder. Also called: CP-related condition.

Submission:

PreventionGenetics, part of Exact Sciences
Classification: Likely pathogenic for CP-related condition. Last evaluated: 2024-05-10. Review status: no assertion criteria provided. Collection method: clinical testing. Allele origin: germline.
Comment: The CP c.2257A>T variant is predicted to result in premature protein termination (p.Lys753*). To our knowledge, this variant has not been reported in the literature or in a large population database, indicating this variant is rare. Nonsense variants in CP are expected to be pathogenic. This variant is interpreted as likely pathogenic.